The following is an entry in ClinVar:

ClinVar aggregate classification (germline): Conflicting classifications of pathogenicity. Review status: criteria provided, conflicting classifications (1 of 4 stars). 2 submissions from 1 submitter: Uncertain significance (1); Likely benign (1). Last evaluated 2018-01-13.

Conditions:
Weill-Marchesani syndrome. Also called: WM Syndrome; Mesodermal dysmorphodystrophy congenital. Identifiers: Orphanet 3449, MedGen C0265313, MONDO:0018096.
Glaucoma 3, primary congenital, D. Identifiers: Orphanet 98976, MedGen C2751316, MONDO:0013122, OMIM 613086.

Allele frequency attached by ClinVar (database versions not stated): gnomAD 0.00024 and 0.00048; TOPMed 0.00052; gnomAD exomes 0.00088; 1000 Genomes Project 30x 0.00422; 1000 Genomes Project 0.00439.
gnomAD v4.1: 134 of 227,632 alleles (0.059%); highest among the groups gnomAD compares: East Asian, 0.77%; no homozygotes.

Submissions (2):

Illumina Laboratory Services, Illumina
Classification: Likely benign for Weill-Marchesani syndrome. Last evaluated: 2018-01-13. Review status: criteria provided, single submitter. Criteria: ICSL Variant Classification Criteria 13 December 2019. Collection method: clinical testing. Allele origin: germline.
Comment: This variant was observed in the ICSL laboratory as part of a predisposition screen in an ostensibly healthy population. It had not been previously curated by ICSL or reported in the Human Gene Mutation Database (HGMD: prior to June 1st, 2018), and was therefore a candidate for classification through an automated scoring system. Utilizing variant allele frequency, disease prevalence and penetrance estimates, and inheritance mode, an automated score was calculated to assess if this variant is too frequent to cause the disease. Based on the score and internal cut-off values, a variant classified as likely benign is not then subjected to further curation. The score for this variant resulted in a classification of likely benign for this disease.

Illumina Laboratory Services, Illumina
Classification: Uncertain significance for Glaucoma 3, primary congenital, D. Last evaluated: 2018-01-13. Review status: criteria provided, single submitter. Criteria: ICSL Variant Classification Criteria 13 December 2019. Collection method: clinical testing. Allele origin: germline.

NM_000428.3(LTBP2):c.*1427A>G

Gene: LTBP2 (latent transforming growth factor beta binding protein 2; minus strand). Cytogenetic location: 14q24.3.
Variant type: single nucleotide variant.
Coding change: c.*1427A>G on transcript NM_000428.3 (MANE Select); 1427 bases downstream of the stop codon, A replaced by G.
Molecular consequence: 3 prime UTR variant.
Genome position (GRCh38, 1-based): chr14:74,499,457, T>C on the plus strand (A>G on the coding strand, the complement: LTBP2 is on the minus strand). VCF-style: chr14-74499457-T-C. GRCh37 (hg19) VCF-style: chr14-74966160-T-C.
Identifiers: ClinVar variation 886377 (VCV000886377.4), dbSNP rs187052141, ClinGen allele CA263576567.
Genomic context (GRCh38, chr14:74,499,457, plus strand): 5'-TGAAATGTATGTATGGCACTCAGCACAGTGCCTGGCACATGGCAAGCATTCAATAAGTTA[T>C]GTGATGGCTAACAATCAGAGGAGCAGGTAGGACAGGGCAGATTAAATTAAGAAAGTAGCA-3'